The following is an entry in ClinVar:

NM_001042492.3(NF1):c.2728G>A (p.Gly910Arg)

Gene: NF1 (neurofibromin 1; plus strand). Cytogenetic location: 17q11.2.
Variant type: single nucleotide variant.
Coding change: c.2728G>A on transcript NM_001042492.3 (MANE Select); coding-DNA position 2728, G replaced by A.
Protein change: p.Gly910Arg; replaces glycine 910 with arginine.
Molecular consequence: missense variant.
Genome position (GRCh38, 1-based): chr17:31,229,343, G>A. VCF-style: chr17-31229343-G-A. GRCh37 (hg19) VCF-style: chr17-29556361-G-A.
Other names: c.2728G>A, p.Gly910Arg (NM_000267.4); short protein forms G910R.
Identifiers: ClinVar variation 480127 (VCV000480127.6), dbSNP rs1555614314, ClinGen allele CA398985197.

ClinVar aggregate classification (germline): Uncertain significance (1 of 4 stars; one submission).

Conditions:
Hereditary cancer-predisposing syndrome. Also called: Neoplastic Syndromes, Hereditary; Hereditary neoplastic syndrome; Hereditary Cancer Syndrome; Tumor predisposition. Identifiers: Orphanet 140162, MedGen C0027672, MeSH D009386, MONDO:0015356.
Cardiovascular phenotype. Identifiers: MedGen CN230736.

Submission:

Ambry Genetics
Classification: Uncertain significance for Cardiovascular phenotype; Hereditary cancer-predisposing syndrome. Last evaluated: 2026-09-04. Review status: criteria provided, single submitter. Criteria: Ambry Variant Classification Scheme 2023. Collection method: clinical testing. Allele origin: germline.
Comment: The p.G910R variant (also known as c.2728G>A), located in coding exon 21 of the NF1 gene, results from a G to A substitution at nucleotide position 2728. The glycine at codon 910 is replaced by arginine, an amino acid with dissimilar properties. This amino acid position is highly conserved in available vertebrate species. In addition, this alteration is predicted to be deleterious by in silico analysis. Based on the available evidence, the clinical significance of this variant remains unclear.